The following is an entry in ClinVar:

ClinVar aggregate classification (germline): Uncertain significance (1 of 4 stars; one submission).

Submission:

GeneDx
Classification: Uncertain significance. Last evaluated: 2025-07-20. Review status: criteria provided, single submitter. Criteria: GeneDx Variant Classification Process June 2021. Collection method: clinical testing. Allele origin: germline. Affected: yes.
Comment: Not observed at significant frequency in large population cohorts (gnomAD); In silico analysis suggests that this missense variant does not alter protein structure/function; Has not been previously published as pathogenic or benign to our knowledge; This variant is associated with the following publications: (PMID: 19781682)

NM_000051.4(ATM):c.3406C>A (p.His1136Asn)

Gene: ATM (ATM serine/threonine kinase; plus strand). Cytogenetic location: 11q22.3.
Variant type: single nucleotide variant.
Coding change: c.3406C>A on transcript NM_000051.4 (MANE Select); coding-DNA position 3406, C replaced by A.
Protein change: p.His1136Asn; replaces histidine 1136 with asparagine.
Molecular consequence: missense variant.
Genome position (GRCh38, 1-based): chr11:108,280,998, C>A. VCF-style: chr11-108280998-C-A. GRCh37 (hg19) VCF-style: chr11-108151725-C-A.
Other names: c.3406C>A, p.His1136Asn (NM_001351834.2); short protein forms H1136N.
Identifiers: ClinVar variation 4686737 (VCV004686737.1).